The following is an entry in ClinVar:

ClinVar aggregate classification (germline): Uncertain significance. Review status: criteria provided, multiple submitters, no conflicts (2 of 4 stars). 4 submissions from 4 submitters: Uncertain significance (4). Last evaluated 2025-09-01.

Conditions:
TGFB3-related disorder. Also called: TGFB3-related condition.
Rienhoff syndrome. Also called: LOEYS-DIETZ SYNDROME 5. Identifiers: MedGen C3810012, MONDO:0014262, OMIM 615582.
Familial thoracic aortic aneurysm and aortic dissection (TAAD). Also called: Thoracic aortic aneurysms and dissections. Identifiers: Orphanet 91387, MedGen C4707243, MONDO:0019625.

Allele frequency attached by ClinVar (database versions not stated): gnomAD 0.00001; gnomAD exomes 0.00001; TOPMed 0.00001.
gnomAD v4.1: 17 of 1,614,138 alleles (0.0011%); highest among the groups gnomAD compares: East Asian, 0.0022%; no homozygotes.

Submissions (4):

Labcorp Genetics (formerly Invitae), Labcorp
Classification: Uncertain significance for Rienhoff syndrome. Last evaluated: 2025-09-01. Review status: criteria provided, single submitter. Criteria: Invitae Variant Classification Sherloc (09022015). Collection method: clinical testing. Allele origin: germline.
Comment: This sequence change replaces histidine, which is basic and polar, with arginine, which is basic and polar, at codon 334 of the TGFB3 protein (p.His334Arg). This variant is not present in population databases (gnomAD no frequency). This variant has not been reported in the literature in individuals affected with TGFB3-related conditions. ClinVar contains an entry for this variant (Variation ID: 569656). Invitae Evidence Modeling of protein sequence and biophysical properties (such as structural, functional, and spatial information, amino acid conservation, physicochemical variation, residue mobility, and thermodynamic stability) indicates that this missense variant is not expected to disrupt TGFB3 protein function with a negative predictive value of 80%. In summary, the available evidence is currently insufficient to determine the role of this variant in disease. Therefore, it has been classified as a Variant of Uncertain Significance.

GeneDx
Classification: Uncertain significance. Last evaluated: 2023-07-12. Review status: criteria provided, single submitter. Criteria: GeneDx Variant Classification Process June 2021. Collection method: clinical testing. Allele origin: germline. Affected: yes.
Comment: Has not been previously published as pathogenic or benign to our knowledge; Not observed at significant frequency in large population cohorts (gnomAD); In silico analysis supports that this missense variant has a deleterious effect on protein structure/function

Ambry Genetics
Classification: Uncertain significance for Familial thoracic aortic aneurysm and aortic dissection. Last evaluated: 2022-10-14. Review status: criteria provided, single submitter. Criteria: Ambry Variant Classification Scheme 2023. Collection method: clinical testing. Allele origin: germline.
Comment: The p.H334R variant (also known as c.1001A>G), located in coding exon 6 of the TGFB3 gene, results from an A to G substitution at nucleotide position 1001. The histidine at codon 334 is replaced by arginine, an amino acid with highly similar properties. This amino acid position is conserved. In addition, this alteration is predicted to be deleterious by in silico analysis. Since supporting evidence is limited at this time, the clinical significance of this alteration remains unclear.

PreventionGenetics, part of Exact Sciences
Classification: Uncertain significance for TGFB3-related condition. Last evaluated: 2022-10-13. Review status: criteria provided, single submitter. Criteria: ACMG Guidelines, 2015. Collection method: clinical testing. Allele origin: germline.
Comment: The TGFB3 c.1001A>G variant is predicted to result in the amino acid substitution p.His334Arg. To our knowledge, this variant has not been reported in the literature or in a large population database, indicating this variant is rare. At this time, the clinical significance of this variant is uncertain due to the absence of conclusive functional and genetic evidence.

NM_003239.5(TGFB3):c.1001A>G (p.His334Arg)

Gene: TGFB3 (transforming growth factor beta 3; minus strand). Cytogenetic location: 14q24.3.
Variant type: single nucleotide variant.
Coding change: c.1001A>G on transcript NM_003239.5 (MANE Select); coding-DNA position 1001, A replaced by G.
Protein change: p.His334Arg; replaces histidine 334 with arginine.
Molecular consequence: missense variant.
Genome position (GRCh38, 1-based): chr14:75,961,002, T>C on the plus strand (A>G on the coding strand, the complement: TGFB3 is on the minus strand). VCF-style: chr14-75961002-T-C. GRCh37 (hg19) VCF-style: chr14-76427345-T-C.
Other names: c.1001A>G, p.His334Arg (NM_001329939.2); c.1001A>G (NM_003239.4); short protein forms H334R.
Identifiers: ClinVar variation 569656 (VCV000569656.8), dbSNP rs1021920873, ClinGen allele CA263701870.